The following is an entry in ClinVar:

NM_001165963.4(SCN1A):c.3443G>A (p.Ser1148Asn)

Genes: SCN1A (sodium voltage-gated channel alpha subunit 1; minus strand), LOC102724058 (uncharacterized LOC102724058; plus strand). Cytogenetic location: 2q24.3.
Variant type: single nucleotide variant.
Coding change: c.3443G>A on transcript NM_001165963.4 (MANE Select); coding-DNA position 3443, G replaced by A.
Protein change: p.Ser1148Asn; replaces serine 1148 with asparagine.
Molecular consequence: missense variant. On other transcripts: non-coding transcript variant (2).
Genome position (GRCh38, 1-based): chr2:166,015,714, C>T on the plus strand (G>A on the coding strand, the complement: SCN1A is on the minus strand). VCF-style: chr2-166015714-C-T. GRCh37 (hg19) VCF-style: chr2-166872224-C-T.
Other names: c.3359G>A, p.Ser1120Asn (NM_001165964.3, NM_001353957.2, NM_001353958.2); c.3443G>A, p.Ser1148Asn (NM_001202435.3, NM_001353948.2); c.3410G>A, p.Ser1137Asn (NM_001353949.2, NM_001353950.2, NM_001353951.2 and 2 more transcripts); c.3407G>A, p.Ser1136Asn (NM_001353954.2, NM_001353955.2); c.3356G>A, p.Ser1119Asn (NM_001353960.2); c.1001G>A, p.Ser334Asn (NM_001353961.2); short protein forms S1119N, S1120N, S1136N, S1137N, S1148N, S334N.
Identifiers: ClinVar variation 1700980 (VCV001700980.7), dbSNP rs1213569051, ClinGen allele CA349056815.

ClinVar aggregate classification (germline): Uncertain significance. Review status: criteria provided, multiple submitters, no conflicts (2 of 4 stars). 2 submissions from 2 submitters: Uncertain significance (2). Last evaluated 2025-05-08.

Conditions:
Early-infantile DEE. Also called: Early infantile epileptic encephalopathy with suppression bursts; Early infantile epileptic encephalopathy; Ohtahara syndrome. Identifiers: Orphanet 1934, MedGen C0393706, MONDO:0800491.

Allele frequency attached by ClinVar (database versions not stated): gnomAD 0.00001; gnomAD exomes 0.00001; TOPMed below 0.00001.

Submissions (2):

GeneDx
Classification: Uncertain significance. Last evaluated: 2025-05-08. Review status: criteria provided, single submitter. Criteria: GeneDx Variant Classification Process June 2021. Collection method: clinical testing. Allele origin: germline. Affected: yes.
Comment: Not observed at significant frequency in large population cohorts (gnomAD); In silico analysis suggests that this missense variant does not alter protein structure/function; This substitution is predicted to be in the cytoplasmic loop between the second and third homologous domains; Has not been previously published as pathogenic or benign to our knowledge

Labcorp Genetics (formerly Invitae), Labcorp
Classification: Uncertain significance for Early-infantile DEE. Last evaluated: 2024-01-31. Review status: criteria provided, single submitter. Criteria: Invitae Variant Classification Sherloc (09022015). Collection method: clinical testing. Allele origin: germline.
Comment: This sequence change replaces serine, which is neutral and polar, with asparagine, which is neutral and polar, at codon 1148 of the SCN1A protein (p.Ser1148Asn). This variant is not present in population databases (gnomAD no frequency). This variant has not been reported in the literature in individuals affected with SCN1A-related conditions. ClinVar contains an entry for this variant (Variation ID: 1700980). Advanced modeling of protein sequence and biophysical properties (such as structural, functional, and spatial information, amino acid conservation, physicochemical variation, residue mobility, and thermodynamic stability) performed at Invitae indicates that this missense variant is not expected to disrupt SCN1A protein function with a negative predictive value of 95%. In summary, the available evidence is currently insufficient to determine the role of this variant in disease. Therefore, it has been classified as a Variant of Uncertain Significance.